The following is an entry in ClinVar:

ClinVar aggregate classification (germline): Benign. Review status: criteria provided, multiple submitters, no conflicts (2 of 4 stars). 4 submissions from 4 submitters: Benign (3). 1 of the submissions does not count toward it. Last evaluated 2026-02-04.

Conditions:
Methylmalonic aciduria, cblB type (MACB). Also called: Methylmalonic acidemia cblB type; METHYLMALONIC ACIDURIA, VITAMIN B12-RESPONSIVE, DUE TO DEFECT IN SYNTHESIS OF ADENOSYLCOBALAMIN, cblB TYPE; Vitamin B12-responsive methylmalonic acidemia type cblB. Identifiers: Orphanet 28, Orphanet 79311, MedGen C1855102, MONDO:0009614, OMIM 251110.

Submissions (4):

Labcorp Genetics (formerly Invitae), Labcorp
Classification: Benign for Methylmalonic aciduria, cblB type. Last evaluated: 2026-02-04. Review status: criteria provided, single submitter. Criteria: Invitae Variant Classification Sherloc (09022015). Collection method: clinical testing. Allele origin: germline.

GeneDx
Classification: Benign. Last evaluated: 2020-05-29. Review status: criteria provided, single submitter. Criteria: GeneDx Variant Classification Process June 2021. Collection method: clinical testing. Allele origin: germline. Affected: yes.
Comment: This variant is associated with the following publications: (PMID: 12471062, 23707710, 15308131)

Women's Health and Genetics/Laboratory Corporation of America, LabCorp
Classification: Benign. Last evaluated: 2016-12-27. Review status: criteria provided, single submitter. Criteria: LabCorp Variant Classification Summary - May 2015. Collection method: clinical testing. Allele origin: germline.
Comment: Variant summary: The MMAB c.56_57delinsAA (p.Arg19delinsGln) variant is an in-frame delins variant in non-repetitive region which leads to a conservative change from Arg to Gln. The genomic variants 12:110011229 G / T and 12:110011230 C / T when combined give the variant of interest. These genomic variants have allele frequency of 0.2904 (29212/100576 chromosomes) and 0.2902 (29170/100504 chromosomes) respectively in ExAC. In African sub-cohort, these changes have the exactly the same allele frequency 0.433 (3570/8244 chromosomes with 701 homozygotes), strongly supporting that these changes are in same allele resulting into the c.56_57delinsAA variant. A published study also found this variants allele frequency at 36% (Dobson_2002). These data prove that this delins variant is a common benign polymorphism. It was also found in patients who already had biallelic pathogenic variants (Dobson_2002, Yang_2004). Taken together, this variant is classified as Benign.

ClinVar Staff, National Center for Biotechnology Information (NCBI)
Classification: Likely benign for Methylmalonic aciduria, cblB type. Last evaluated: 2016-12-21. Review status: no assertion criteria provided. Collection method: literature only. Allele origin: germline. Affected: yes. Not counted in ClinVar's aggregate classification.
Comment: Was formerly in GeneReviews for 'Isolated Methylmalonic Acidemia' (NCBI book NBK1231) as a benign variant.

Literature cited by the submitters: PubMed 12471062 (cited by Women's Health and Genetics/Laboratory Corporation of America, LabCorp and ClinVar Staff, National Center for Biotechnology Information (NCBI)).

NM_052845.4(MMAB):c.56_57delinsAA (p.Arg19Gln)

Genes: MMAB (metabolism of cobalamin associated B; minus strand), MVK (mevalonate kinase; plus strand). Cytogenetic location: 12q24.11.
Variant type: Indel.
Coding change: c.56_57delinsAA on transcript NM_052845.4 (MANE Select); coding-DNA positions 56 to 57, GC replaced by AA.
Protein change: p.Arg19Gln; replaces arginine 19 with glutamine.
Molecular consequence: missense variant. On other transcripts: non-coding transcript variant (1).
Genome position (GRCh38, 1-based): chr12:109,573,424-109,573,425, GC replaced by TT on the plus strand (GC replaced by AA on the coding strand, the reverse complement: MMAB is on the minus strand). VCF-style: chr12-109573424-GC-TT. GRCh37 (hg19) VCF-style: chr12-110011229-GC-TT.
Other names: short protein forms R19Q.
Identifiers: ClinVar variation 219003 (VCV000219003.13), dbSNP rs36013132, ClinGen allele CA347899.
Genomic context (GRCh38, chr12:109,573,424, plus strand): 5'-GCCCTGAGGGCCGCGGCTCTGGAAACGGGGATACAGGAGCCTGGCGGCGCCGAAGCACCC[GC>TT]GCAGGCCAAGACGGCTCCCCAGGCCAAGACGGCTCCCCAGGCCGCACACAGCCATGAGCC-3'
Protein context (NP_443077.1, residues 9-29): RLGLGSRLGL[Arg19Gln]GCFGAARLLY